The following is an entry in ClinVar:

ClinVar aggregate classification (germline): Pathogenic (1 of 4 stars; one submission).

Conditions:
Nemaline myopathy 2 (NEM2). Also called: Nemaline myopathy 2, autosomal recessive. Identifiers: MedGen C1850569, MONDO:0009725, OMIM 256030.

Submission:

Labcorp Genetics (formerly Invitae), Labcorp
Classification: Pathogenic for Nemaline myopathy 2. Last evaluated: 2022-09-11. Review status: criteria provided, single submitter. Criteria: Invitae Variant Classification Sherloc (09022015). Collection method: clinical testing. Allele origin: germline.
Comment: This variant occurs in a region of NEB (Exons 82-105) consisting of three highly homologous 8-exon repeat units (exons 82-89, exons 90-97, exons 98-105). Sequence variants in this region can be detected, but this assay cannot determine which of the three repeat units is affected, and zygosity is often ambiguous. All variants in this region are reported relative to the exon 82-89 repeat. This sequence change creates a premature translational stop signal (p.Tyr4290*) in the NEB gene. It is expected to result in an absent or disrupted protein product. Loss-of-function variants in NEB are known to be pathogenic (PMID: 25205138). The frequency data for this variant in the population databases (gnomAD) is considered unreliable due to the presence of homologous sequence, such as pseudogenes or paralogs, in the genome. This variant has not been reported in the literature in individuals affected with NEB-related conditions. For these reasons, this variant has been classified as Pathogenic.

Literature cited by the submitters: PubMed 25205138.

NM_001164508.2(NEB):c.12870_12871del (p.Tyr4290_Lys4291delinsTer)

Gene: NEB (nebulin; minus strand). Cytogenetic location: 2q23.3.
Variant type: Microsatellite.
Coding change: c.12870_12871del on transcript NM_001164508.2 (MANE Select); coding-DNA positions 12870 to 12871, 2 bases deleted (TA; older notation c.12870_12871delTA).
Protein change: p.Tyr4290_Lys4291delinsTer.
Molecular consequence: nonsense. On other transcripts: intron variant (1).
Genome position (GRCh38, 1-based): chr2:151,604,748-151,604,749, TA deleted on the plus strand (TA on the coding strand, the reverse complement: NEB is on the minus strand); deleting any 2 consecutive bases within chr2:151,604,748-151,604,752 gives the same sequence; the c. name uses the placement nearest the transcript's 3' end. VCF-style (leftmost placement, unchanged base first): chr2-151604747-TTA-T. GRCh37 (hg19) VCF-style: chr2-152461261-TTA-T.
Other names: c.12870_12871del, p.Tyr4290_Lys4291delinsTer (NM_001164507.2, NM_001271208.2); c.11601+5060_11601+5061del (NM_004543.5).
Identifiers: ClinVar variation 2011311 (VCV002011311.4), dbSNP rs2552224161, ClinGen allele CA2580614358.